The following is an entry in ClinVar:

ClinVar aggregate classification (germline): Uncertain significance (1 of 4 stars; one submission).

Submission:

Labcorp Genetics (formerly Invitae), Labcorp
Classification: Uncertain significance. Last evaluated: 2023-02-27. Review status: criteria provided, single submitter. Criteria: Invitae Variant Classification Sherloc (09022015). Collection method: clinical testing. Allele origin: germline.
Comment: This variant results in a copy number gain of the genomic region encompassing exon(s) 12-22 of the PDE6B gene. This region includes the termination codon of the gene. This copy number gain extends beyond the assayed region for this gene and therefore may encompass additional genes. As the precise location of this event is unknown, it may be in tandem or it may be located elsewhere in the genome. This variant has not been reported in the literature in individuals affected with PDE6B-related conditions. In summary, the available evidence is currently insufficient to determine the role of this variant in disease. Therefore, it has been classified as a Variant of Uncertain Significance.

NC_000004.11:g.(?_654236)_(663896_?)dup

Gene: PDE6B (phosphodiesterase 6B; plus strand). Cytogenetic location: 4p16.3.
Variant type: Duplication.
Identifiers: ClinVar variation 1510501 (VCV001510501.5).